The following is an entry in ClinVar:

NM_015909.4(NBAS):c.3839G>A (p.Arg1280Gln)

Gene: NBAS (NBAS subunit of NRZ tethering complex; minus strand). Cytogenetic location: 2p24.3.
Variant type: single nucleotide variant.
Coding change: c.3839G>A on transcript NM_015909.4 (MANE Select); coding-DNA position 3839, G replaced by A.
Protein change: p.Arg1280Gln; replaces arginine 1280 with glutamine.
Molecular consequence: missense variant. On other transcripts: non-coding transcript variant (1).
Genome position (GRCh38, 1-based): chr2:15,356,395, C>T on the plus strand (G>A on the coding strand, the complement: NBAS is on the minus strand). VCF-style: chr2-15356395-C-T. GRCh37 (hg19) VCF-style: chr2-15496519-C-T.
Other names: c.3839G>A (NM_015909.2); short protein forms R1280Q.
Identifiers: ClinVar variation 1310510 (VCV001310510.8), dbSNP rs149082253, ClinGen allele CA1535884.
Genomic context (GRCh38, chr2:15,356,395, plus strand): 5'-GCTGCTTTGTAGTCATGGAAGCGAAGTGCCTGCTCCACTAAAAGGATTAGAACCTGTCCC[C>T]GCCTTTCTTCTGGGTTCTCACCTGTAAGTCCAAGCAAAGGACTTAATGATTATGACAAGC-3'
Protein context (NP_056993.2, residues 1270-1290): RVAGENPEER[Arg1280Gln]GQVLILLVEQ

ClinVar aggregate classification (germline): Conflicting classifications of pathogenicity. Review status: criteria provided, conflicting classifications (1 of 4 stars). 3 submissions from 3 submitters: Uncertain significance (2); Likely benign (1). Last evaluated 2025-08-12.

Conditions:
Inborn genetic diseases. Identifiers: MedGen C0950123, MeSH D030342.

Allele frequency attached by ClinVar (database versions not stated): gnomAD 0.00001 and 0.00002; ExAC 0.00002; gnomAD exomes 0.00003; TOPMed 0.00003; ESP Exome Variant Server 0.00008.
gnomAD v4.1: 42 of 1,613,656 alleles (0.0026%); highest among the groups gnomAD compares: Admixed American, 0.005%; no homozygotes.

Submissions (3):

Ambry Genetics
Classification: Uncertain significance for Inborn genetic diseases. Last evaluated: 2025-08-12. Review status: criteria provided, single submitter. Criteria: Ambry Variant Classification Scheme 2023. Collection method: clinical testing. Allele origin: germline.

Labcorp Genetics (formerly Invitae), Labcorp
Classification: Likely benign. Last evaluated: 2025-02-17. Review status: criteria provided, single submitter. Criteria: Invitae Variant Classification Sherloc (09022015). Collection method: clinical testing. Allele origin: germline.

GeneDx
Classification: Uncertain significance. Last evaluated: 2019-11-17. Review status: criteria provided, single submitter. Criteria: GeneDx Variant Classification Process June 2021. Collection method: clinical testing. Allele origin: germline. Affected: yes.
Comment: In silico analysis, which includes protein predictors and evolutionary conservation, supports that this variant does not alter protein structure/function; Has not been previously published as pathogenic or benign to our knowledge